The following is an entry in ClinVar:

NM_001376.5(DYNC1H1):c.1411C>T (p.Arg471Cys)

Gene: DYNC1H1 (dynein cytoplasmic 1 heavy chain 1; plus strand). Cytogenetic location: 14q32.31.
Variant type: single nucleotide variant.
Coding change: c.1411C>T on transcript NM_001376.5 (MANE Select); coding-DNA position 1411, C replaced by T.
Protein change: p.Arg471Cys; replaces arginine 471 with cysteine.
Molecular consequence: missense variant.
Genome position (GRCh38, 1-based): chr14:101,983,559, C>T. VCF-style: chr14-101983559-C-T. GRCh37 (hg19) VCF-style: chr14-102449896-C-T.
Other names: c.1411C>T (NM_001376.4); short protein forms R471C.
Identifiers: ClinVar variation 1319927 (VCV001319927.5), dbSNP rs2047892380, ClinGen allele CA391016032.

ClinVar aggregate classification (germline): Uncertain significance. Review status: criteria provided, single submitter (1 of 4 stars). 2 submissions from 2 submitters: Uncertain significance (1). 1 of the submissions does not count toward it. Last evaluated 2024-03-04.

Conditions:
Cortical dysplasia, complex, with other brain malformations 13. Also called: Intellectual disability, autosomal dominant 13. Identifiers: MedGen C3281202, MONDO:0013805, OMIM 614563.

Allele frequency attached by ClinVar (database versions not stated): gnomAD exomes below 0.00001; gnomAD 0.00001.
gnomAD v4.1: 5 of 1,614,020 alleles (0.00031%); highest among the groups gnomAD compares: African/African-American, 0.0013%; no homozygotes.

Submissions (2):

GeneDx
Classification: Uncertain significance. Last evaluated: 2024-03-04. Review status: criteria provided, single submitter. Criteria: GeneDx Variant Classification Process June 2021. Collection method: clinical testing. Allele origin: germline. Affected: yes.
Comment: Not observed at significant frequency in large population cohorts (gnomAD); In silico analysis supports that this missense variant has a deleterious effect on protein structure/function; Has not been previously published as pathogenic or benign to our knowledge; This variant is associated with the following publications: (PMID: 26100331, 25609763, 25512093)

Clinical Genetics Laboratory, University Hospital Schleswig-Holstein
Classification: Likely pathogenic for Cortical dysplasia, complex, with other brain malformations 13. Last evaluated: 2021-07-29. Review status: no assertion criteria provided. Collection method: clinical testing. Allele origin: germline. Affected: yes. Not counted in ClinVar's aggregate classification.